The following is an entry in ClinVar:

NM_033004.4(NLRP1):c.2699+368G>A

Gene: NLRP1 (NLR family pyrin domain containing 1; minus strand). Cytogenetic location: 17p13.2.
Variant type: single nucleotide variant.
Coding change: c.2699+368G>A on transcript NM_033004.4 (MANE Select); 368 bases into the intron after coding-DNA position 2699, G replaced by A.
Molecular consequence: intron variant.
Genome position (GRCh38, 1-based): chr17:5,541,489, C>T on the plus strand (G>A on the coding strand, the complement: NLRP1 is on the minus strand). VCF-style: chr17-5541489-C-T. GRCh37 (hg19) VCF-style: chr17-5444809-C-T.
Other names: c.2699+368G>A (NM_001033053.3, NM_033007.4, NM_033006.4 and 1 more transcripts).
Identifiers: ClinVar variation 103017 (VCV000103017.2), dbSNP rs199476211, ClinGen allele CA018451.

ClinVar aggregate classification (germline): not provided (0 of 4 stars; one submission).

Allele frequency attached by ClinVar (database versions not stated): gnomAD below 0.00001 and 0.00002; TOPMed 0.00002; 1000 Genomes Project 30x 0.00016; 1000 Genomes Project 0.00020.
gnomAD v4.1: 3 of 152,284 alleles (0.002%); highest among the groups gnomAD compares: East Asian, 0.039%; no homozygotes.

Submission:

Human Evolutionary Genetics, Institut Pasteur
No classification provided. Review status: no classification provided. Collection method: not provided. Allele origin: germline.
ClinVar note: Converted during submission from untested to not provided.